The following is an entry in ClinVar:

NM_007294.4(BRCA1):c.5226T>C (p.Asn1742=)

Gene: BRCA1 (BRCA1 DNA repair associated; minus strand). Cytogenetic location: 17q21.31.
Variant type: single nucleotide variant.
Coding change: c.5226T>C on transcript NM_007294.4 (MANE Select); coding-DNA position 5226, T replaced by C.
Protein change: p.Asn1742=; no amino-acid change (asparagine 1742 retained).
Molecular consequence: synonymous variant.
Genome position (GRCh38, 1-based): chr17:43,057,103, A>G on the plus strand (T>C on the coding strand, the complement: BRCA1 is on the minus strand). VCF-style: chr17-43057103-A-G. GRCh37 (hg19) VCF-style: chr17-41209120-A-G.
Other names: c.5013T>C, p.Asn1671= (NM_001407571.1, NM_001407894.1, NM_001407895.1 and 12 more transcripts); c.5292T>C, p.Asn1764= (NM_001407581.1, NM_001407582.1); c.5289T>C, p.Asn1763= (NM_001407583.1, NM_001407585.1, NM_001407587.1 and 1 more transcripts); c.5286T>C, p.Asn1762= (NM_001407590.1, NM_001407591.1); c.5226T>C, p.Asn1742= (NM_001407593.1, NM_001407594.1, NM_001407596.1 and 7 more transcripts); c.5223T>C, p.Asn1741= (NM_001407610.1, NM_001407611.1, NM_001407612.1 and 17 more transcripts); c.5220T>C, p.Asn1740= (NM_001407627.1, NM_001407628.1, NM_001407629.1 and 14 more transcripts); c.5217T>C, p.Asn1739= (NM_001407644.1, NM_001407645.1); and 72 more.
Identifiers: ClinVar variation 865179 (VCV000865179.3), dbSNP rs2051517669, ClinGen allele CA500144750.

Conditions:
Breast-ovarian cancer, familial, susceptibility to, 1 (BROVCA1). Also called: BRCA1 Hereditary Breast and Ovarian Cancer; OVARIAN CANCER, SUSCEPTIBILITY TO. Identifiers: Orphanet 145, MedGen C2676676, MONDO:0011450, OMIM 604370. Disease mechanism: loss of function.

Submission:

Brotman Baty Institute, University of Washington
No classification provided (evidence only). Condition: Breast-ovarian cancer, familial 1. Review status: no classification provided. Collection method: in vitro. Allele origin: not applicable. Functional consequence: functionally_normal.
ClinVar note: "not provided" was previously submitted as the classification for the variant. However, the classification appeared to be based only on an observation of functional data so it was converted to no classification on 2025-07-30.